The following is an entry in ClinVar:

ClinVar aggregate classification (germline): Likely benign (1 of 4 stars; one submission).

Allele frequency attached by ClinVar (database versions not stated): ExAC 0.00002; TOPMed 0.00011; gnomAD 0.00012.
gnomAD v4.1: 260 of 1,614,062 alleles (0.016%); highest among the groups gnomAD compares: Non-Finnish European, 0.019%; 1 homozygote.

Submission:

CeGaT Center for Human Genetics Tuebingen
Classification: Likely benign. Last evaluated: 2025-09-01. Review status: criteria provided, single submitter. Criteria: CeGaT Center For Human Genetics Tuebingen Variant Classification Criteria Version 2. Collection method: clinical testing. Allele origin: germline. Affected: yes. Observed: 3 variant alleles.
Comment: MADD: BP4, BP7

NM_001376571.1(MADD):c.144G>A (p.Leu48=)

Gene: MADD (MAP kinase activating death domain; plus strand). Cytogenetic location: 11p11.2.
Variant type: single nucleotide variant.
Coding change: c.144G>A on transcript NM_001376571.1 (MANE Select); coding-DNA position 144, G replaced by A.
Protein change: p.Leu48=; no amino-acid change (leucine 48 retained).
Molecular consequence: synonymous variant. On other transcripts: 5 prime UTR variant (12), non-coding transcript variant (8), intron variant (1).
Genome position (GRCh38, 1-based): chr11:47,274,644, G>A. VCF-style: chr11-47274644-G-A. GRCh37 (hg19) VCF-style: chr11-47296195-G-A.
Other names: c.144G>A, p.Leu48= (NM_001376629.1, NM_001376630.1, NM_001376631.1 and 80 more transcripts); c.-61G>A (NM_001376635.1, NM_001376644.1, NM_001376646.1 and 9 more transcripts); c.-7-1255G>A (NM_001376663.1).
Identifiers: ClinVar variation 2641760 (VCV002641760.24), dbSNP rs769959099, ClinGen allele CA5973803.